The following is an entry in ClinVar:

ClinVar aggregate classification (germline): Uncertain significance (1 of 4 stars; one submission).

Allele frequency attached by ClinVar (database versions not stated): TOPMed below 0.00001; gnomAD 0.00001.
gnomAD v4.1: 10 of 1,596,752 alleles (0.00063%); highest among the groups gnomAD compares: Non-Finnish European, 0.00086%; no homozygotes.

Submission:

Greenwood Genetic Center Diagnostic Laboratories, Greenwood Genetic Center
Classification: Uncertain significance. Last evaluated: 2023-04-17. Review status: criteria provided, single submitter. Criteria: ACMG Guidelines, 2015. Collection method: clinical testing. Allele origin: germline. Affected: yes.
Comment: PM2

NM_001007527.2(LMBRD2):c.1844A>C (p.Asn615Thr)

Gene: LMBRD2 (LMBR1 domain containing 2; minus strand). Cytogenetic location: 5p13.2.
Variant type: single nucleotide variant.
Coding change: c.1844A>C on transcript NM_001007527.2 (MANE Select); coding-DNA position 1844, A replaced by C.
Protein change: p.Asn615Thr; replaces asparagine 615 with threonine.
Molecular consequence: missense variant.
Genome position (GRCh38, 1-based): chr5:36,108,587, T>G on the plus strand (A>C on the coding strand, the complement: LMBRD2 is on the minus strand). VCF-style: chr5-36108587-T-G. GRCh37 (hg19) VCF-style: chr5-36108689-T-G.
Other names: short protein forms N615T.
Identifiers: ClinVar variation 2572338 (VCV002572338.1), dbSNP rs1224223089, ClinGen allele CA359440750.